The following is an entry in ClinVar:

ClinVar aggregate classification (germline): Uncertain significance (1 of 4 stars; one submission).

Conditions:
Inborn genetic diseases. Identifiers: MedGen C0950123, MeSH D030342.

Submission:

Ambry Genetics
Classification: Uncertain significance for Inborn genetic diseases. Last evaluated: 2026-04-04. Review status: criteria provided, single submitter. Criteria: Ambry Variant Classification Scheme 2023. Collection method: clinical testing. Allele origin: germline.
Comment: The p.S243L variant (also known as c.728C>T), located in coding exon 2 of the WT1 gene, results from a C to T substitution at nucleotide position 728. The serine at codon 243 is replaced by leucine, an amino acid with dissimilar properties. This amino acid position is conserved. In addition, this alteration is predicted to be deleterious by in silico analysis. Based on the available evidence, the clinical significance of this variant remains unclear.

NM_024426.6(WT1):c.743C>T (p.Ser248Leu)

Gene: WT1 (WT1 transcription factor; minus strand). Cytogenetic location: 11p13.
Variant type: single nucleotide variant.
Coding change: c.743C>T on transcript NM_024426.6 (MANE Select); coding-DNA position 743, C replaced by T.
Protein change: p.Ser248Leu; replaces serine 248 with leucine.
Molecular consequence: missense variant. On other transcripts: 5 prime UTR variant (1), non-coding transcript variant (2), intron variant (2).
Genome position (GRCh38, 1-based): chr11:32,428,538, G>A on the plus strand (C>T on the coding strand, the complement: WT1 is on the minus strand). VCF-style: chr11-32428538-G-A. GRCh37 (hg19) VCF-style: chr11-32450084-G-A.
Other names: c.743C>T, p.Ser248Leu (NM_000378.6, NM_001407044.1, NM_001407045.1 and 4 more transcripts); c.92C>T, p.Ser31Leu (NM_001198551.2, NM_001198552.2); c.-20C>T (NM_001407051.1); c.524C>T, p.Ser175Leu (NM_001429031.1, NM_001429032.1, NM_001429033.1 and 1 more transcripts); c.662-480C>T (NM_001407050.1, NM_001407047.1); short protein forms S175L, S243L, S248L, S31L.
Identifiers: ClinVar variation 4866789 (VCV004866789.1).
Genomic context (GRCh38, chr11:32,428,538, plus strand): 5'-CTTGGTTCCGCTCGCTTACCCAGCGAGCCCTGCTGGCCCATGGGATCCTCATGCTTGAAT[G>A]AGTGGTTGGGGAACTGCGCCGCATGGTGCGAGGGCGTGTGACCGTAGCTGGGCGTCCCGT-3'
Protein context (NP_077744.4, residues 238-258): SHHAAQFPNH[Ser248Leu]FKHEDPMGQQ